The following is an entry in ClinVar:

NM_031844.3(HNRNPU):c.523C>A (p.Gln175Lys)

Gene: HNRNPU (heterogeneous nuclear ribonucleoprotein U; minus strand). Cytogenetic location: 1q44.
Variant type: single nucleotide variant.
Coding change: c.523C>A on transcript NM_031844.3 (MANE Select); coding-DNA position 523, C replaced by A.
Protein change: p.Gln175Lys; replaces glutamine 175 with lysine.
Molecular consequence: missense variant.
Genome position (GRCh38, 1-based): chr1:244,863,785, G>T on the plus strand (C>A on the coding strand, the complement: HNRNPU is on the minus strand). VCF-style: chr1-244863785-G-T. GRCh37 (hg19) VCF-style: chr1-245027087-G-T.
Other names: c.523C>A (NM_031844.2); c.523C>A, p.Gln175Lys (NM_004501.3); short protein forms Q175K.
Identifiers: ClinVar variation 1437992 (VCV001437992.9), dbSNP rs769831589, ClinGen allele CA345496715.

ClinVar aggregate classification (germline): Uncertain significance. Review status: criteria provided, multiple submitters, no conflicts (2 of 4 stars). 2 submissions from 2 submitters: Uncertain significance (2). Last evaluated 2025-09-28.

Conditions:
Inborn genetic diseases. Identifiers: MedGen C0950123, MeSH D030342.
Developmental and epileptic encephalopathy, 54. Also called: Epileptic encephalopathy, early infantile, 54; HNRNPU-Related Neurodevelopmental Disorder. Identifiers: MedGen C4479319, MONDO:0033363, OMIM 617391.

Submissions (2):

Ambry Genetics
Classification: Uncertain significance for Inborn genetic diseases. Last evaluated: 2025-09-28. Review status: criteria provided, single submitter. Criteria: Ambry Variant Classification Scheme 2023. Collection method: clinical testing. Allele origin: germline.
Comment: The c.523C>A (p.Q175K) alteration is located in exon 1 (coding exon 1) of the HNRNPU gene. This alteration results from a C to A substitution at nucleotide position 523, causing the glutamine (Q) at amino acid position 175 to be replaced by a lysine (K). Based on data from gnomAD, the A allele has an overall frequency of <0.001% (1/229646) total alleles studied. The highest observed frequency was 0.008% (1/13378) of African alleles. Based on insufficient or conflicting evidence, the clinical significance of this alteration remains unclear.

Labcorp Genetics (formerly Invitae), Labcorp
Classification: Uncertain significance for Developmental and epileptic encephalopathy, 54. Last evaluated: 2022-11-17. Review status: criteria provided, single submitter. Criteria: Invitae Variant Classification Sherloc (09022015). Collection method: clinical testing. Allele origin: germline.
Comment: This variant has not been reported in the literature in individuals affected with HNRNPU-related conditions. The frequency data for this variant in the population databases is considered unreliable, as metrics indicate poor data quality at this position in the gnomAD database. This sequence change replaces glutamine, which is neutral and polar, with lysine, which is basic and polar, at codon 175 of the HNRNPU protein (p.Gln175Lys). ClinVar contains an entry for this variant (Variation ID: 1437992). Algorithms developed to predict the effect of missense changes on protein structure and function (SIFT, PolyPhen-2, Align-GVGD) all suggest that this variant is likely to be tolerated. In summary, the available evidence is currently insufficient to determine the role of this variant in disease. Therefore, it has been classified as a Variant of Uncertain Significance.